The following is an entry in ClinVar:

ClinVar aggregate classification (germline): Uncertain significance. Review status: criteria provided, multiple submitters, no conflicts (2 of 4 stars). 2 submissions from 2 submitters: Uncertain significance (2). Last evaluated 2026-04-21.

Conditions:
Cardiovascular phenotype. Identifiers: MedGen CN230736.
Long QT syndrome (LQTS). Identifiers: MedGen C0023976, MeSH D008133, MONDO:0002442. Disease mechanism: loss of function. Inheritance: Various modes of inheritance.

Allele frequency attached by ClinVar (database versions not stated): gnomAD exomes below 0.00001.
gnomAD v4.1: 2 of 1,610,170 alleles (0.00012%); highest among the groups gnomAD compares: Non-Finnish European, 0.00017%; no homozygotes.

Submissions (2):

Ambry Genetics
Classification: Uncertain significance for Cardiovascular phenotype. Last evaluated: 2026-04-21. Review status: criteria provided, single submitter. Criteria: Ambry Variant Classification Scheme 2023. Collection method: clinical testing. Allele origin: germline.
Comment: The c.604+5G>A intronic variant results from a G to A substitution 5 nucleotides after coding exon 3 in the KCNQ1 gene. This variant was reported in individual(s) with features consistent with long QT syndrome (Itoh H et al. Circ J, 2015 Jun;79:2026-30; Ambry internal data). This nucleotide position is highly conserved in available vertebrate species. In silico splice site analysis predicts that this alteration will weaken the native splice donor site. Based on the available evidence, the clinical significance of this variant remains unclear.

All of Us Research Program, National Institutes of Health
Classification: Uncertain significance for Long QT syndrome. Last evaluated: 2023-06-26. Review status: criteria provided, single submitter. Criteria: ACMG Guidelines, 2015. Collection method: clinical testing. Allele origin: germline. Inheritance: Autosomal dominant inheritance. Observed: 1 variant allele, 1 heterozygote.
Comment: This variant causes a G to A nucleotide substitution at the +5 position of intron 3 of the KCNQ1 gene. Splice site prediction tools predict that this variant may have a significant impact on RNA splicing. To our knowledge, RNA studies have not been reported for this variant. This variant has not been reported in individuals affected with KCNQ1-related disorders in the literature. This variant has not been identified in the general population by the Genome Aggregation Database (gnomAD). The available evidence is insufficient to determine the role of this variant in disease conclusively. Therefore, this variant is classified as a Variant of Uncertain Significance.

This study involves interpretation of variants in research participants for the purpose of population health screening. Participant phenotype was not available at the time of variant classification. Additional details can be found in publication PMID: 35346344, PMCID: PMC8962531

Literature cited by the submitters: PubMed 26118460 (cited by Ambry Genetics).

NM_000218.3(KCNQ1):c.604+5G>A

Gene: KCNQ1 (potassium voltage-gated channel subfamily Q member 1; plus strand). Cytogenetic location: 11p15.5.
Variant type: single nucleotide variant.
Coding change: c.604+5G>A on transcript NM_000218.3 (MANE Select); 5 bases into the intron after coding-DNA position 604, G replaced by A.
Molecular consequence: intron variant.
Genome position (GRCh38, 1-based): chr11:2,570,759, G>A. VCF-style: chr11-2570759-G-A. GRCh37 (hg19) VCF-style: chr11-2591989-G-A.
Other names: c.334+5G>A (NM_001406837.1); c.604+5G>A (NM_001406836.1, NM_000218.2); c.478-12676G>A (NM_001406838.1); c.223+5G>A (NM_181798.2).
Identifiers: ClinVar variation 3072247 (VCV003072247.2), dbSNP rs1256534511, ClinGen allele CA597109059.